The following is an entry in ClinVar:

NM_032833.5(PPP1R15B):c.987C>T (p.His329=)

Gene: PPP1R15B (protein phosphatase 1 regulatory subunit 15B; minus strand). Cytogenetic location: 1q32.1.
Variant type: single nucleotide variant.
Coding change: c.987C>T on transcript NM_032833.5 (MANE Select); coding-DNA position 987, C replaced by T.
Protein change: p.His329=; no amino-acid change (histidine 329 retained).
Molecular consequence: synonymous variant.
Genome position (GRCh38, 1-based): chr1:204,410,425, G>A on the plus strand (C>T on the coding strand, the complement: PPP1R15B is on the minus strand). VCF-style: chr1-204410425-G-A. GRCh37 (hg19) VCF-style: chr1-204379553-G-A.
Identifiers: ClinVar variation 1694543 (VCV001694543.36), dbSNP rs767849759, ClinGen allele CA1346707.

ClinVar aggregate classification (germline): Likely benign. Review status: criteria provided, multiple submitters, no conflicts (2 of 4 stars). 2 submissions from 2 submitters: Likely benign (2). Last evaluated 2025-10-13.

Allele frequency attached by ClinVar (database versions not stated): TOPMed 0.00002; gnomAD 0.00003 and 0.00004; gnomAD exomes 0.00007 and 0.00013; ExAC 0.00014.
gnomAD v4.1: 104 of 1,614,240 alleles (0.0064%); highest among the groups gnomAD compares: South Asian, 0.072%; no homozygotes.

Submissions (2):

Labcorp Genetics (formerly Invitae), Labcorp
Classification: Likely benign. Last evaluated: 2025-10-13. Review status: criteria provided, single submitter. Criteria: Invitae Variant Classification Sherloc (09022015). Collection method: clinical testing. Allele origin: germline.

CeGaT Center for Human Genetics Tuebingen
Classification: Likely benign. Last evaluated: 2022-09-01. Review status: criteria provided, single submitter. Criteria: CeGaT Center For Human Genetics Tuebingen Variant Classification Criteria Version 2. Collection method: clinical testing. Allele origin: germline. Affected: yes. Observed: 2 variant alleles.
Comment: PPP1R15B: BP4, BP7